The following is an entry in ClinVar:

ClinVar aggregate classification (germline): Pathogenic/Likely pathogenic. Review status: criteria provided, multiple submitters, no conflicts (2 of 4 stars). 2 submissions from 2 submitters: Pathogenic (1); Likely pathogenic (1). Last evaluated 2025-12-29.

Conditions:
Citrullinemia, type II, adult-onset (CDAA). Also called: CITRIN DEFICIENCY, ADOLESCENT OR ADULT ONSET. Identifiers: Orphanet 247585, MedGen CN295299, MONDO:0011326, OMIM 603471.
Citrin deficiency. Identifiers: Orphanet 247582, MedGen C1997910, MONDO:0016602.

Submissions (2):

Labcorp Genetics (formerly Invitae), Labcorp
Classification: Pathogenic for Citrin deficiency. Last evaluated: 2025-12-29. Review status: criteria provided, single submitter. Criteria: Invitae Variant Classification Sherloc (09022015). Collection method: clinical testing. Allele origin: germline.
Comment: This sequence change creates a premature translational stop signal (p.His193Profs*24) in the SLC25A13 gene. It is expected to result in an absent or disrupted protein product. Loss-of-function variants in SLC25A13 are known to be pathogenic (PMID: 10369257, 14680984, 27405544). This variant is present in population databases (no rsID available, gnomAD 0.0009%). This variant has not been reported in the literature in individuals affected with SLC25A13-related conditions. ClinVar contains an entry for this variant (Variation ID: 2678842). For these reasons, this variant has been classified as Pathogenic.

Baylor Genetics
Classification: Likely pathogenic for Citrullinemia, type II, adult-onset. Last evaluated: 2022-04-29. Review status: criteria provided, single submitter. Criteria: ACMG Guidelines, 2015. Collection method: clinical testing. Allele origin: unknown.

Literature cited by the submitters: PubMed 10369257 (cited by Labcorp Genetics (formerly Invitae), Labcorp); PubMed 14680984 (cited by Labcorp Genetics (formerly Invitae), Labcorp); PubMed 27405544 (cited by Labcorp Genetics (formerly Invitae), Labcorp).

NM_014251.3(SLC25A13):c.577dup (p.His193fs)

Gene: SLC25A13 (solute carrier family 25 member 13; minus strand). Cytogenetic location: 7q21.3.
Variant type: Duplication.
Coding change: c.577dup on transcript NM_014251.3 (MANE Select); coding-DNA position 577, one base duplicated (C; older notation c.577dupC).
Protein change: p.His193fs; shifts the reading frame from histidine 193.
Molecular consequence: frameshift variant. On other transcripts: non-coding transcript variant (1).
Genome position (GRCh38, 1-based): chr7:96,193,075, G duplicated on the plus strand (C on the coding strand, the reverse complement: SLC25A13 is on the minus strand); the first of 5 consecutive G bases (chr7:96,193,075-96,193,079); duplicating any one gives the same sequence. VCF-style (leftmost placement, unchanged base first): chr7-96193074-T-TG. GRCh37 (hg19) VCF-style: chr7-95822386-T-TG.
Other names: c.577dup, p.His193fs (NM_001160210.2); short protein forms H193fs.
Identifiers: ClinVar variation 2678842 (VCV002678842.2), dbSNP rs1562831563, ClinGen allele CA576352941.